The following is an entry in ClinVar:

ClinVar aggregate classification (germline): Uncertain significance. Review status: criteria provided, multiple submitters, no conflicts (2 of 4 stars). 3 submissions from 3 submitters: Uncertain significance (2). 1 of the submissions does not count toward it. Last evaluated 2025-04-17.

Conditions:
HEMOGLOBIN MAPUTO.

Submissions (3):

ARUP Laboratories, Molecular Genetics and Genomics, ARUP Laboratories
Classification: Uncertain significance. Last evaluated: 2025-04-17. Review status: criteria provided, single submitter. Criteria: ARUP Molecular Germline Variant Investigation Process 2024. Collection method: clinical testing. Allele origin: germline.
Comment: The Hb Maputo variant (HBB: c.142G>T; p.Asp48Tyr, also known as Asp47Tyr when numbered from the mature protein, rs33932070, HbVar ID: 327, ClinVar Variation ID: 15260) has not been reported to be associated with any clinically significant symptoms in heterozygous carriers (Lou 2014, Marinucci 1983, Moo-Penn 1991, Silva 2013). This variant has been reported in an individual who carried Hb S in trans with severe anemia (Marinucci 1983). This hemoglobin variant is also reported to have normal relative stability and oxygen affinity (see HbVar database link). This variant is absent from the Genome Aggregation Database (v2.1.1), indicating it is not a common polymorphism. Computational analyses predict that this variant is deleterious (REVEL: 0.742). Due to conflicting information, the clinical significance of this variant is uncertain at this time. References: Link to HbVar database: Lou JW et al. Prevalence and molecular characterization of structural hemoglobin variants in the Dongguan region of Guangdong province, southern China. Hemoglobin. 2014;38(4):282-6. PMID: 24985555. Marinucci M et al. Hemoglobin Maputo: a new beta-chain variant (alpha 2 beta 2 47 (CD6) Asp replaced by Tyr) in combination with hemoglobin S, identified by high performance liquid chromatography (HPLC). Hemoglobin. 1983;7(5):423-33. PMID: 6629824. Moo-Penn WF et al. Hb Luxembourg [alpha 24(B5)Tyr----His], Hb Maputo [beta 47(CD6)Asp----Tyr], and Hb Fukuyama [beta 77(EF1)His----Tyr]. Hemoglobin. 1991;15(1-2):97-101. PMID: 1917540. Silva MR et al. Clinical and molecular characterization of hemoglobin Maputo [beta 47 (CD6) Asp > Tyr HBB: c.142G > T] and G-Ferrara [beta 57 (E1) Asn > Lys HBB: c.174C > A] in a newborn screening in Brazil. Int J Lab Hematol. 2013 Dec;35(6):e1-4. PMID: 23279838.

Quest Diagnostics Nichols Institute San Juan Capistrano
Classification: Uncertain significance. Last evaluated: 2024-09-10. Review status: criteria provided, single submitter. Criteria: Quest Diagnostics criteria. Collection method: clinical testing. Allele origin: unknown.
Comment: The HBB c.142G>T (p.Asp48Tyr) variant has been reported in the published literature in combination with Hb S in a child with severe anemia (PMID: 6629824 (1983)). It has also been found in reportedly healthy individuals in a heterozygous state (PMID: 6629824 (1983), 1917540 (1991)). This variant has not been reported in large, multi-ethnic general populations (Genome Aggregation Database). Analysis of this variant using bioinformatics tools for the prediction of the effect of amino acid changes on protein structure and function yielded conflicting predictions that this variant is deleterious or benign. Based on the available information, we are unable to determine the clinical significance of this variant.

OMIM
Classification: other for HEMOGLOBIN MAPUTO. Last evaluated: 2017-12-12. Review status: no assertion criteria provided. Collection method: literature only. Allele origin: germline. Not counted in ClinVar's aggregate classification.

Literature cited by the submitters: PubMed 6629824 (cited by Quest Diagnostics Nichols Institute San Juan Capistrano and OMIM); PubMed 1917540 (cited by Quest Diagnostics Nichols Institute San Juan Capistrano); PubMed 24985555 (cited by Quest Diagnostics Nichols Institute San Juan Capistrano); PubMed 23279838 (cited by Quest Diagnostics Nichols Institute San Juan Capistrano).

NM_000518.4(HBB):c.142G>T (p.Asp48Tyr)

Genes: HBB (hemoglobin subunit beta; minus strand), LOC106099062 (HBB recombination region; plus strand), LOC107133510 (origin of replication at HBB; plus strand). Cytogenetic location: 11p15.4.
Variant type: single nucleotide variant.
Coding change: c.142G>T on transcript NM_000518.4; coding-DNA position 142, G replaced by T.
Protein change: p.Asp48Tyr; replaces aspartic acid 48 with tyrosine.
Molecular consequence: missense variant (on NM_000518.5).
Genome position (GRCh38, 1-based): chr11:5,226,750, C>A on the plus strand (G>T on the coding strand, the complement: HBB is on the minus strand). VCF-style: chr11-5226750-C-A. GRCh37 (hg19) VCF-style: chr11-5247980-C-A.
Other names: D47Y; c.142G>T, p.Asp48Tyr (NM_000518.5); short protein forms D48Y.
Identifiers: ClinVar variation 15260 (VCV000015260.4), dbSNP rs33932070, ClinGen allele CA125018.